The following is an entry in ClinVar:

ClinVar aggregate classification (germline): Uncertain significance (1 of 4 stars; one submission).

Conditions:
Fanconi anemia (FA). Also called: Fanconi's anemia. Identifiers: Orphanet 84, MedGen C0015625, MeSH D005199, MONDO:0019391.

Allele frequency attached by ClinVar (database versions not stated): TOPMed below 0.00001; gnomAD 0.00001; gnomAD exomes 0.00001 and 0.00002.
gnomAD v4.1: 10 of 1,613,598 alleles (0.00062%); highest among the groups gnomAD compares: East Asian, 0.0022%; no homozygotes.

Submission:

Labcorp Genetics (formerly Invitae), Labcorp
Classification: Uncertain significance for Fanconi anemia. Last evaluated: 2021-06-16. Review status: criteria provided, single submitter. Criteria: Invitae Variant Classification Sherloc (09022015). Collection method: clinical testing. Allele origin: germline.
Comment: In summary, the available evidence is currently insufficient to determine the role of this variant in disease. Therefore, it has been classified as a Variant of Uncertain Significance. This sequence change replaces isoleucine with valine at codon 316 of the FANCM protein (p.Ile316Val). The isoleucine residue is moderately conserved and there is a small physicochemical difference between isoleucine and valine. This variant is not present in population databases (ExAC no frequency). This variant has not been reported in the literature in individuals with FANCM-related conditions. Algorithms developed to predict the effect of missense changes on protein structure and function (SIFT, PolyPhen-2, Align-GVGD) all suggest that this variant is likely to be tolerated, but these predictions have not been confirmed by published functional studies and their clinical significance is uncertain.

NM_020937.4(FANCM):c.946A>G (p.Ile316Val)

Gene: FANCM (FA complementation group M; plus strand). Cytogenetic location: 14q21.2.
Variant type: single nucleotide variant.
Coding change: c.946A>G on transcript NM_020937.4 (MANE Select); coding-DNA position 946, A replaced by G.
Protein change: p.Ile316Val; replaces isoleucine 316 with valine.
Molecular consequence: missense variant.
Genome position (GRCh38, 1-based): chr14:45,151,424, A>G. VCF-style: chr14-45151424-A-G. GRCh37 (hg19) VCF-style: chr14-45620627-A-G.
Other names: c.868A>G, p.Ile290Val (NM_001308133.2); c.946A>G, p.Ile316Val (NM_001308134.2); short protein forms I290V, I316V.
Identifiers: ClinVar variation 850671 (VCV000850671.9), dbSNP rs1401549421, ClinGen allele CA389590524.